The following is an entry in ClinVar:

NM_000108.5(DLD):c.875+1G>A

Gene: DLD (dihydrolipoamide dehydrogenase; plus strand). Cytogenetic location: 7q31.1.
Variant type: single nucleotide variant.
Coding change: c.875+1G>A on transcript NM_000108.5 (MANE Select); the canonical splice donor site of the intron after coding-DNA position 875, G replaced by A.
Molecular consequence: splice donor variant.
Genome position (GRCh38, 1-based): chr7:107,915,697, G>A. VCF-style: chr7-107915697-G-A. GRCh37 (hg19) VCF-style: chr7-107556142-G-A.
Other names: IVS9DS, G-A, +1; c.731+1G>A (NM_001289752.1); c.806+1G>A (NM_001289751.1); c.578+1G>A (NM_001289750.1).
Identifiers: ClinVar variation 11970 (VCV000011970.19), dbSNP rs1328820332, ClinGen allele CA368857430.

ClinVar aggregate classification (germline): Pathogenic/Likely pathogenic. Review status: criteria provided, multiple submitters, no conflicts (2 of 4 stars). 6 submissions from 6 submitters: Pathogenic (3); Likely pathogenic (2). 1 of the submissions does not count toward it. Last evaluated 2026-04-17.

Conditions:
Pyruvate dehydrogenase E3 deficiency (DLDD). Also called: MAPLE SYRUP URINE DISEASE, TYPE III; Dihydrolipoamide Dehydrogenase Deficiency; DLD DEFICIENCY; E3 DEFICIENCY; Dihydrolipoamide Dehydrogenase (E3) Deficiency; Dihydrolipoamide Dehydrogenase E3 Deficiency. Identifiers: Orphanet 2394, Orphanet 765, MedGen C5574660, MONDO:0009529, OMIM 246900.

Allele frequency attached by ClinVar (database versions not stated): TOPMed below 0.00001; gnomAD 0.00001.
gnomAD v4.1: 2 of 1,611,756 alleles (0.00012%); highest among the groups gnomAD compares: Non-Finnish European, 0.000085%; no homozygotes.

Submissions (6):

Myriad Genetics, Inc.
Classification: Likely pathogenic for Pyruvate dehydrogenase E3 deficiency. Last evaluated: 2026-04-17. Review status: criteria provided, single submitter. Criteria: Myriad Autosomal Dominant, Autosomal Recessive and X-Linked Classification Criteria (2023). Collection method: clinical testing. Allele origin: unknown.
Comment: NM_000108.3(DLD):c.875+1G>A is a variant in a canonical splice site classified as likely pathogenic in the context of dihydrolipoamide dehydrogenase deficiency. c.875+1G>A has been observed in a case with relevant disease (PMID: 12925875). Relevant functional assessments of this variant are not available in the literature. c.875+1G>A has been observed in referenced population frequency databases. In summary, NM_000108.3(DLD):c.875+1G>A is a variant in a canonical splice site in a gene where loss of function is a known mechanism of disease, is predicted to disrupt protein function, and has been observed more frequently in cases with the relevant disease than in healthy populations. Please note: this variant was assessed in the context of healthy population screening.

Natera, Inc.
Classification: Pathogenic for Maple syrup urine disease type 3. Last evaluated: 2025-02-28. Review status: criteria provided, single submitter. Criteria: Natera Variant Classification Schema (03/2026). Collection method: clinical testing. Allele origin: germline.
Comment: The c.875+1G>A variant in DLD is a canonical splice donor site variant predicted to affect pre-mRNA splicing, which may result in an abnormal transcript and altered protein product. This variant is expected to result in nonsense mediated decay, truncation, or a dysfunctional protein product. This variant is rare in the general population with a frequency below the threshold expected for the associated phenotype(s). This variant has been observed in one or more individuals affected with the associated recessive disease, as either homozygous or compound heterozygous with a second variant (PMID: 12925875). Given the available evidence, this variant is classified as Pathogenic.

Labcorp Genetics (formerly Invitae), Labcorp
Classification: Likely pathogenic for Pyruvate dehydrogenase E3 deficiency. Last evaluated: 2022-02-16. Review status: criteria provided, single submitter. Criteria: Invitae Variant Classification Sherloc (09022015). Collection method: clinical testing. Allele origin: germline.
Comment: This sequence change affects a donor splice site in intron 9 of the DLD gene. It is expected to disrupt RNA splicing. Variants that disrupt the donor or acceptor splice site typically lead to a loss of protein function (PMID: 16199547), and loss-of-function variants in DLD are known to be pathogenic (PMID: 8968745, 9934985). This variant is present in population databases (no rsID available, gnomAD 0.03%). Disruption of this splice site has been observed in individual(s) with dihydrolipoamide dehydrogenase deficiency (PMID: 12925875). ClinVar contains an entry for this variant (Variation ID: 11970). Algorithms developed to predict the effect of sequence changes on RNA splicing suggest that this variant may disrupt the consensus splice site. In summary, the currently available evidence indicates that the variant is pathogenic, but additional data are needed to prove that conclusively. Therefore, this variant has been classified as Likely Pathogenic.

Women's Health and Genetics/Laboratory Corporation of America, LabCorp
Classification: Pathogenic for Pyruvate dehydrogenase E3 deficiency. Last evaluated: 2021-05-24. Review status: criteria provided, single submitter. Criteria: LabCorp Variant Classification Summary - May 2015. Collection method: clinical testing. Allele origin: germline.
Comment: Variant summary: DLD c.875+1G>A is located in a canonical splice-site and is predicted to affect mRNA splicing resulting in a significantly altered protein due to either exon skipping, shortening, or inclusion of intronic material. Several computational tools predict a significant impact on normal splicing: Three predict the variant abolishes a 5 splicing donor site. Experimental evidence supports these predictions indicating that this variant affects splicing leading to a totally unstable mRNA (Grafakou_2003). The variant was absent in 250256 control chromosomes (gnomAD). c.875+1G>A has been reported in the literature in a compound heterozygous individual affected with Dihydrolipoamide Dehydrogenase Deficiency who developed Leigh syndrome (Grafakou_2003). Experimental evidence from muscle tissue of this individual demonstrated considerably decreased E3 and PDHc activities. Two ClinVar submitters (evaluation after 2014) cite the variant as pathogenic/likely pathogenic. Based on the evidence outlined above, the variant was classified as pathogenic.

Revvity Omics, Revvity
Classification: Pathogenic for Pyruvate dehydrogenase E3 deficiency. Last evaluated: 2019-02-07. Review status: criteria provided, single submitter. Criteria: ACMG Guidelines, 2015. Collection method: clinical testing. Allele origin: germline.

OMIM
Classification: Pathogenic for DIHYDROLIPOAMIDE DEHYDROGENASE DEFICIENCY. Last evaluated: 2003-10-01. Review status: no assertion criteria provided. Collection method: literature only. Allele origin: germline. Not counted in ClinVar's aggregate classification.

Literature cited by the submitters: PubMed 12925875 (cited by 5 submitters); PubMed 16199547 (cited by Labcorp Genetics (formerly Invitae), Labcorp); PubMed 8968745 (cited by Labcorp Genetics (formerly Invitae), Labcorp); PubMed 9934985 (cited by Labcorp Genetics (formerly Invitae), Labcorp).